The following is an entry in ClinVar:

NM_000435.3(NOTCH3):c.3718+13G>T

Gene: NOTCH3 (notch receptor 3; minus strand). Cytogenetic location: 19p13.12.
Variant type: single nucleotide variant.
Coding change: c.3718+13G>T on transcript NM_000435.3 (MANE Select); 13 bases into the intron after coding-DNA position 3718, G replaced by T.
Molecular consequence: intron variant.
Genome position (GRCh38, 1-based): chr19:15,179,012, C>A on the plus strand (G>T on the coding strand, the complement: NOTCH3 is on the minus strand). VCF-style: chr19-15179012-C-A. GRCh37 (hg19) VCF-style: chr19-15289823-C-A.
Identifiers: ClinVar variation 890262 (VCV000890262.20), dbSNP rs201077354, ClinGen allele CA9263011.

ClinVar aggregate classification (germline): Benign/Likely benign. Review status: criteria provided, multiple submitters, no conflicts (2 of 4 stars). 4 submissions from 4 submitters: Benign (3); Likely benign (1). Last evaluated 2025-11-22.

Conditions:
Cerebral arteriopathy, autosomal dominant, with subcortical infarcts and leukoencephalopathy, type 1 (CADASIL1). Also called: DEMENTIA, HEREDITARY MULTIINFARCT TYPE; CADASIL 1; CASIL; Cerebral arteriopathy with subcortical infarcts and leukoencephalopathy 1. Identifiers: Orphanet 136, MedGen C4551768, MONDO:0000914, OMIM 125310.

Allele frequency attached by ClinVar (database versions not stated): ExAC 0.00060; ESP Exome Variant Server 0.00161; gnomAD 0.00181 and 0.00188; TOPMed 0.00185; 1000 Genomes Project 0.00339; 1000 Genomes Project 30x 0.00390.
gnomAD v4.1: 525 of 1,614,208 alleles (0.033%); highest among the groups gnomAD compares: African/African-American, 0.64%; no homozygotes.

Submissions (4):

Labcorp Genetics (formerly Invitae), Labcorp
Classification: Benign. Last evaluated: 2025-11-22. Review status: criteria provided, single submitter. Criteria: Invitae Variant Classification Sherloc (09022015). Collection method: clinical testing. Allele origin: germline.

Blueprint Genetics
Classification: Likely benign. Last evaluated: 2024-08-23. Review status: criteria provided, single submitter. Criteria: ACMG Guidelines, 2015. Collection method: clinical testing. Allele origin: germline.

ARUP Laboratories, Molecular Genetics and Genomics, ARUP Laboratories
Classification: Benign. Last evaluated: 2023-09-06. Review status: criteria provided, single submitter. Criteria: ARUP Molecular Germline Variant Investigation Process 2024. Collection method: clinical testing. Allele origin: germline.

Illumina Laboratory Services, Illumina
Classification: Benign for Cerebral arteriopathy, autosomal dominant, with subcortical infarcts and leukoencephalopathy, type 1. Last evaluated: 2018-01-13. Review status: criteria provided, single submitter. Criteria: ICSL Variant Classification Criteria 13 December 2019. Collection method: clinical testing. Allele origin: germline.
Comment: This variant was observed in the ICSL laboratory as part of a predisposition screen in an ostensibly healthy population. It had not been previously curated by ICSL or reported in the Human Gene Mutation Database (HGMD: prior to June 1st, 2018), and was therefore a candidate for classification through an automated scoring system. Utilizing variant allele frequency, disease prevalence and penetrance estimates, and inheritance mode, an automated score was calculated to assess if this variant is too frequent to cause the disease. Based on the score and internal cut-off values, a variant classified as benign is not then subjected to further curation. The score for this variant resulted in a classification of benign for this disease.